The following is an entry in ClinVar:

NM_000518.4(HBB):c.298G>T (p.Asp100Tyr)

Genes: HBB (hemoglobin subunit beta; minus strand), LOC106099062 (HBB recombination region; plus strand), LOC107133510 (origin of replication at HBB; plus strand). Cytogenetic location: 11p15.4.
Variant type: single nucleotide variant.
Coding change: c.298G>T on transcript NM_000518.4; coding-DNA position 298, G replaced by T.
Protein change: p.Asp100Tyr; replaces aspartic acid 100 with tyrosine.
Molecular consequence: missense variant (on NM_000518.5).
Genome position (GRCh38, 1-based): chr11:5,226,594, C>A on the plus strand (G>T on the coding strand, the complement: HBB is on the minus strand). VCF-style: chr11-5226594-C-A. GRCh37 (hg19) VCF-style: chr11-5247824-C-A.
Other names: D99Y; c.298G>T, p.Asp100Tyr (NM_000518.5); short protein forms D100Y.
Identifiers: ClinVar variation 15397 (VCV000015397.3), dbSNP rs33954595, ClinGen allele CA125249.
Genomic context (GRCh38, chr11:5,226,594, plus strand): 5'-GAAAAGAAGGGGAAAGAAAACATCAAGCGTCCCATAGACTCACCCTGAAGTTCTCAGGAT[C>A]CACGTGCAGCTTGTCACAGTGCAGCTCACTCAGTGTGGCAAAGGTGCCCTTGAGGTTGTC-3'
Protein context (NP_000509.1, residues 90-110): SELHCDKLHV[Asp100Tyr]PENFRLLGNV

ClinVar aggregate classification (germline): Pathogenic. Review status: criteria provided, single submitter (1 of 4 stars). 3 submissions from 2 submitters: Pathogenic (1). 2 of the submissions do not count toward it.

Conditions:
HEMOGLOBIN YPSILANTI.
Erythrocytosis, familial, 6. Also called: ERYTHROCYTOSIS, BETA-GLOBIN TYPE; POLYCYTHEMIA, BETA-GLOBIN TYPE. Identifiers: MedGen C4693822, MONDO:0054801, OMIM 617980.

Submissions (3):

Neuberg Centre For Genomic Medicine, NCGM
Classification: Pathogenic for Erythrocytosis, familial, 6. Review status: criteria provided, single submitter. Criteria: ACMG Guidelines, 2015. Collection method: clinical testing. Allele origin: germline. Inheritance: Autosomal dominant inheritance. Affected: yes.
Comment: The missense variant c.298G>Tp.Asp100Tyr in HBB gene has been reported to the ClinVar database as Pathogenic. The p.Asp100Tyr variant is novel not in any individuals in gnomAD Exomes and 1000 Genomes. The amino acid change p.Asp100Tyr in HBB is predicted as conserved by GERP++ and PhyloP across 100 vertebrates. The amino acid Asp at position 100 is changed to a Tyr changing protein sequence and it might alter its composition and physico-chemical properties. Functional studies will be required to confirm the pathogenicity of the variant. For these reasons, this variant has been classified as Uncertain Significance VUS.

OMIM
Classification: other for HEMOGLOBIN YPSILANTI. Last evaluated: 2017-12-12. Review status: no assertion criteria provided. Collection method: literature only. Allele origin: germline. Not counted in ClinVar's aggregate classification.

OMIM
Classification: Pathogenic for ERYTHROCYTOSIS 6. Last evaluated: 1968-10-01. Review status: no assertion criteria provided. Collection method: literature only. Allele origin: germline. Not counted in ClinVar's aggregate classification.

Literature cited by the submitters: PubMed 5687529 (cited by OMIM).